The following is an entry in ClinVar:

NM_001349253.2(SCN11A):c.2093T>C (p.Val698Ala)

Gene: SCN11A (sodium voltage-gated channel alpha subunit 11; minus strand). Cytogenetic location: 3p22.2.
Variant type: single nucleotide variant.
Coding change: c.2093T>C on transcript NM_001349253.2 (MANE Select); coding-DNA position 2093, T replaced by C.
Protein change: p.Val698Ala; replaces valine 698 with alanine.
Molecular consequence: missense variant.
Genome position (GRCh38, 1-based): chr3:38,897,155, A>G on the plus strand (T>C on the coding strand, the complement: SCN11A is on the minus strand). VCF-style: chr3-38897155-A-G. GRCh37 (hg19) VCF-style: chr3-38938646-A-G.
Other names: c.2093T>C, p.Val698Ala (NM_014139.3); short protein forms V698A.
Identifiers: ClinVar variation 573695 (VCV000573695.6), dbSNP rs747911047, ClinGen allele CA2322131.
Genomic context (GRCh38, chr3:38,897,155, plus strand): 5'-ACTACTGAGAAAATAAAGATCACAATGACCAGGACCACAGTCAGGCTTCCAAGGGCTCCG[A>G]CAGAGTTGCCGATTATCTTAATTAGTGTGTTCAAAGTTGGCCAGGATTTGGCTAACTTGA-3'
Protein context (NP_001336182.1, residues 688-708): NTLIKIIGNS[Val698Ala]GALGSLTVVL

ClinVar aggregate classification (germline): Uncertain significance. Review status: criteria provided, multiple submitters, no conflicts (2 of 4 stars). 2 submissions from 2 submitters: Uncertain significance (2). Last evaluated 2023-06-30.

Conditions:
Hereditary sensory and autonomic neuropathy type 7. Also called: HSAN VII; Neuropathy, hereditary sensory and autonomic, type VII. Identifiers: Orphanet 391397, MedGen C3809882, MONDO:0014244, OMIM 615548.
Familial episodic pain syndrome with predominantly lower limb involvement. Also called: Episodic pain syndrome, familial, 3. Identifiers: Orphanet 391384, Orphanet 391392, MedGen C3809899, MONDO:0014247, OMIM 615552.
Inborn genetic diseases. Identifiers: MedGen C0950123, MeSH D030342.

Allele frequency attached by ClinVar (database versions not stated): TOPMed 0.00001; ExAC 0.00002; gnomAD exomes 0.00002 and 0.00003.
gnomAD v4.1: 37 of 1,614,164 alleles (0.0023%); highest among the groups gnomAD compares: Middle Eastern, 0.016%; no homozygotes.

Submissions (2):

Labcorp Genetics (formerly Invitae), Labcorp
Classification: Uncertain significance for Familial episodic pain syndrome with predominantly lower limb involvement; Hereditary sensory and autonomic neuropathy type 7. Last evaluated: 2023-06-30. Review status: criteria provided, single submitter. Criteria: Invitae Variant Classification Sherloc (09022015). Collection method: clinical testing. Allele origin: germline.
Comment: In summary, the available evidence is currently insufficient to determine the role of this variant in disease. Therefore, it has been classified as a Variant of Uncertain Significance. Advanced modeling of protein sequence and biophysical properties (such as structural, functional, and spatial information, amino acid conservation, physicochemical variation, residue mobility, and thermodynamic stability) has been performed at Invitae for this missense variant, however the output from this modeling did not meet the statistical confidence thresholds required to predict the impact of this variant on SCN11A protein function. ClinVar contains an entry for this variant (Variation ID: 573695). This variant has not been reported in the literature in individuals affected with SCN11A-related conditions. This variant is present in population databases (rs747911047, gnomAD 0.005%). This sequence change replaces valine, which is neutral and non-polar, with alanine, which is neutral and non-polar, at codon 698 of the SCN11A protein (p.Val698Ala).

Ambry Genetics
Classification: Uncertain significance for Inborn genetic diseases. Last evaluated: 2022-07-19. Review status: criteria provided, single submitter. Criteria: Ambry Variant Classification Scheme 2023. Collection method: clinical testing. Allele origin: germline.